The following is an entry in ClinVar:

NM_001369.3(DNAH5):c.4712_4713insAATTG (p.Leu1572fs)

Genes: DNAH5 (dynein axonemal heavy chain 5; minus strand), DNAH5-AS1 (DNAH5 antisense RNA 1; plus strand). Cytogenetic location: 5p15.2.
Variant type: Insertion.
Coding change: c.4712_4713insAATTG on transcript NM_001369.3 (MANE Select); coding-DNA positions 4712 to 4713, AATTG inserted.
Protein change: p.Leu1572fs; shifts the reading frame from leucine 1572.
Molecular consequence: frameshift variant.
Genome position: GRCh38 VCF-style: chr5-13862631-G-GCAATT. GRCh37 (hg19) VCF-style: chr5-13862740-G-GCAATT.
Other names: short protein forms L1572fs.
Identifiers: ClinVar variation 1726295 (VCV001726295.2), dbSNP rs2546973597, ClinGen allele CA2580072077.

ClinVar aggregate classification (germline): Likely pathogenic (1 of 4 stars; one submission).

Conditions:
Primary ciliary dyskinesia 3. Identifiers: Orphanet 244, MedGen C1837618, MONDO:0012085, OMIM 608644.

Submission:

Myriad Genetics, Inc.
Classification: Likely pathogenic for Primary ciliary dyskinesia 3. Last evaluated: 2021-12-13. Review status: criteria provided, single submitter. Criteria: Myriad Women's Health Autosomal Recessive and X-Linked Classification Criteria (2021). Collection method: clinical testing. Allele origin: unknown.
Comment: NM_001369.2(DNAH5):c.4712_4713ins5(L1572Ifs*4) is expected to be pathogenic in the context of DNAH5-related primary ciliary dyskinesia. This variant is predicted to lead to an abnormal or absent protein product due to the creation of a premature termination codon in DNAH5, a gene where loss-of-function variants are known to be pathogenic. Please note: this variant was assessed in the context of healthy population screening.